The following is an entry in ClinVar:

NM_001164508.2(NEB):c.10940T>C (p.Val3647Ala)

Gene: NEB (nebulin; minus strand). Cytogenetic location: 2q23.3.
Variant type: single nucleotide variant.
Coding change: c.10940T>C on transcript NM_001164508.2 (MANE Select); coding-DNA position 10940, T replaced by C.
Protein change: p.Val3647Ala; replaces valine 3647 with alanine.
Molecular consequence: missense variant.
Genome position (GRCh38, 1-based): chr2:151,618,411, A>G on the plus strand (T>C on the coding strand, the complement: NEB is on the minus strand). VCF-style: chr2-151618411-A-G. GRCh37 (hg19) VCF-style: chr2-152474925-A-G.
Other names: c.10940T>C, p.Val3647Ala (NM_001164507.2, NM_001271208.2); c.10211T>C, p.Val3404Ala (NM_004543.5); c.10940T>C (NM_001271208.1); c.10211T>C (NM_004543.4); short protein forms V3404A, V3647A.
Identifiers: ClinVar variation 1009581 (VCV001009581.11), dbSNP rs1316575607, ClinGen allele CA348786360.

ClinVar aggregate classification (germline): Conflicting classifications of pathogenicity. Review status: criteria provided, conflicting classifications (1 of 4 stars). 4 submissions from 4 submitters: Uncertain significance (1); Likely benign (1). 2 of the submissions do not count toward it. Last evaluated 2024-12-09.

Conditions:
Nemaline myopathy 2 (NEM2). Also called: Nemaline myopathy 2, autosomal recessive. Identifiers: MedGen C1850569, MONDO:0009725, OMIM 256030.
Inborn genetic diseases. Identifiers: MedGen C0950123, MeSH D030342.
NEB-related disorder. Also called: NEB-related condition; NEB-Related Disorders.

Allele frequency attached by ClinVar (database versions not stated): gnomAD 0.00001; gnomAD exomes 0.00002; TOPMed 0.00002.
gnomAD v4.1: 13 of 1,613,800 alleles (0.00081%); highest among the groups gnomAD compares: Admixed American, 0.0083%; no homozygotes.

Submissions (4):

Ambry Genetics
Classification: Uncertain significance for Inborn genetic diseases. Last evaluated: 2024-12-09. Review status: criteria provided, single submitter. Criteria: Ambry Variant Classification Scheme 2023. Collection method: clinical testing. Allele origin: germline.

Labcorp Genetics (formerly Invitae), Labcorp
Classification: Likely benign for Nemaline myopathy 2. Last evaluated: 2024-09-30. Review status: criteria provided, single submitter. Criteria: Invitae Variant Classification Sherloc (09022015). Collection method: clinical testing. Allele origin: germline.

PreventionGenetics, part of Exact Sciences
Classification: Uncertain significance for NEB-related condition. Last evaluated: 2024-04-12. Review status: no assertion criteria provided. Collection method: clinical testing. Allele origin: germline. Not counted in ClinVar's aggregate classification.
Comment: The NEB c.10940T>C variant is predicted to result in the amino acid substitution p.Val3647Ala. To our knowledge, this variant has not been reported in the literature. This variant is reported in 0.0057% of alleles in individuals of Latino descent in gnomAD. At this time, the clinical significance of this variant is uncertain due to the absence of conclusive functional and genetic evidence.

Natera, Inc.
Classification: Uncertain significance for Nemaline myopathy type 2. Last evaluated: 2020-05-29. Review status: no assertion criteria provided. Collection method: clinical testing. Allele origin: germline. Not counted in ClinVar's aggregate classification.